The following is an entry in ClinVar:

ClinVar aggregate classification (germline): Conflicting classifications of pathogenicity. Review status: criteria provided, conflicting classifications (1 of 4 stars). 4 submissions from 3 submitters: Uncertain significance (2); Likely benign (2). Last evaluated 2026-04-01.

Conditions:
FIG4-related disorder. Also called: FIG4-related condition; FIG4-related disorders.
Charcot-Marie-Tooth disease type 4. Also called: Charcot-Marie-Tooth disease, type IV; Charcot-Marie-Tooth, Type 4. Identifiers: Orphanet 64749, MedGen C4082197, MONDO:0018995.
Charcot-Marie-Tooth disease type 4J (CMT4J). Also called: CHARCOT-MARIE-TOOTH DISEASE, DEMYELINATING, TYPE 4J; Charcot-Marie-Tooth Neuropathy Type 4J; CHARCOT-MARIE-TOOTH DISEASE, AUTOSOMAL RECESSIVE, TYPE 4J. Identifiers: Orphanet 139515, MedGen C1970011, MONDO:0012640, OMIM 611228.
Amyotrophic lateral sclerosis type 11 (ALS11). Identifiers: Orphanet 803, MedGen C2675491, MONDO:0012945, OMIM 612577.

Allele frequency attached by ClinVar (database versions not stated): ExAC 0.00001; gnomAD 0.00001 and 0.00002; gnomAD exomes 0.00001 and 0.00002; TOPMed 0.00002.
gnomAD v4.1: 29 of 1,613,622 alleles (0.0018%); highest among the groups gnomAD compares: Non-Finnish European, 0.0021%; no homozygotes.

Submissions (4):

PreventionGenetics, part of Exact Sciences
Classification: Likely benign for FIG4-related condition. Last evaluated: 2026-04-01. Review status: criteria provided, single submitter. Criteria: ACMG Guidelines, 2015. Collection method: clinical testing. Allele origin: germline.
Comment: This variant is classified as likely benign based on ACMG/AMP sequence variant interpretation guidelines (Richards et al. 2015 PMID: 25741868, with internal and published modifications).

Labcorp Genetics (formerly Invitae), Labcorp
Classification: Likely benign for Charcot-Marie-Tooth disease type 4. Last evaluated: 2025-10-07. Review status: criteria provided, single submitter. Criteria: Invitae Variant Classification Sherloc (09022015). Collection method: clinical testing. Allele origin: germline.

Illumina Laboratory Services, Illumina
Classification: Uncertain significance for Amyotrophic lateral sclerosis type 11. Last evaluated: 2018-01-13. Review status: criteria provided, single submitter. Criteria: ICSL Variant Classification Criteria 13 December 2019. Collection method: clinical testing. Allele origin: germline.

Illumina Laboratory Services, Illumina
Classification: Uncertain significance for Charcot-Marie-Tooth disease type 4J. Last evaluated: 2018-01-13. Review status: criteria provided, single submitter. Criteria: ICSL Variant Classification Criteria 13 December 2019. Collection method: clinical testing. Allele origin: germline.

NM_014845.6(FIG4):c.1482C>T (p.Asn494=)

Gene: FIG4 (FIG4 phosphoinositide 5-phosphatase; plus strand). Cytogenetic location: 6q21.
Variant type: single nucleotide variant.
Coding change: c.1482C>T on transcript NM_014845.6 (MANE Select); coding-DNA position 1482, C replaced by T.
Protein change: p.Asn494=; no amino-acid change (asparagine 494 retained).
Molecular consequence: synonymous variant.
Genome position (GRCh38, 1-based): chr6:109,765,060, C>T. VCF-style: chr6-109765060-C-T. GRCh37 (hg19) VCF-style: chr6-110086263-C-T.
Identifiers: ClinVar variation 904721 (VCV000904721.13), dbSNP rs776928002, ClinGen allele CA3956106.